The following is an entry in ClinVar:

NM_005045.4(RELN):c.2158C>G (p.Leu720Val)

Gene: RELN (reelin; minus strand). Cytogenetic location: 7q22.1.
Variant type: single nucleotide variant.
Coding change: c.2158C>G on transcript NM_005045.4 (MANE Select); coding-DNA position 2158, C replaced by G.
Protein change: p.Leu720Val; replaces leucine 720 with valine.
Molecular consequence: missense variant.
Genome position (GRCh38, 1-based): chr7:103,636,380, G>C on the plus strand (C>G on the coding strand, the complement: RELN is on the minus strand). VCF-style: chr7-103636380-G-C. GRCh37 (hg19) VCF-style: chr7-103276827-G-C.
Other names: c.2158C>G, p.Leu720Val (NM_173054.3); short protein forms L720V.
Identifiers: ClinVar variation 542562 (VCV000542562.10), dbSNP rs1554395337, ClinGen allele CA368762072.

ClinVar aggregate classification (germline): Uncertain significance. Review status: criteria provided, multiple submitters, no conflicts (2 of 4 stars). 2 submissions from 2 submitters: Uncertain significance (2). Last evaluated 2019-11-18.

Conditions:
Familial temporal lobe epilepsy 7. Identifiers: Orphanet 101046, MedGen C4225327, MONDO:0014639, OMIM 616436.
Norman-Roberts syndrome (LIS2). Also called: Lissencephaly 2 (Norman-Roberts type). Identifiers: Orphanet 89844, MedGen C0796089, MONDO:0009760, OMIM 257320.

Submissions (2):

GeneDx
Classification: Uncertain significance. Last evaluated: 2019-11-18. Review status: criteria provided, single submitter. Criteria: GeneDx Variant Classification Process June 2021. Collection method: clinical testing. Allele origin: germline. Affected: yes.
Comment: Not observed in large population cohorts (Lek et al., 2016); In silico analysis, which includes protein predictors and evolutionary conservation, supports that this variant does not alter protein structure/function; Has not been previously published as pathogenic or benign to our knowledge

Labcorp Genetics (formerly Invitae), Labcorp
Classification: Uncertain significance for Familial temporal lobe epilepsy 7; Norman-Roberts syndrome. Last evaluated: 2017-10-18. Review status: criteria provided, single submitter. Criteria: Invitae Variant Classification Sherloc (09022015). Collection method: clinical testing. Allele origin: germline.
Comment: This sequence change replaces leucine with valine at codon 720 of the RELN protein (p.Leu720Val). The leucine residue is highly conserved and there is a small physicochemical difference between leucine and valine. This variant is not present in population databases (ExAC no frequency). This variant has not been reported in the literature in individuals with RELN-related disease. Algorithms developed to predict the effect of missense changes on protein structure and function do not agree on the potential impact of this missense change (SIFT: "Deleterious"; PolyPhen-2: "Possibly Damaging"; Align-GVGD: "Class C0"). In summary, the available evidence is currently insufficient to determine the role of this variant in disease. Therefore, it has been classified as a Variant of Uncertain Significance.